The following is an entry in ClinVar:

NM_000540.3(RYR1):c.3868C>T (p.Leu1290=)

Gene: RYR1 (ryanodine receptor 1; plus strand). Cytogenetic location: 19q13.2.
Variant type: single nucleotide variant.
Coding change: c.3868C>T on transcript NM_000540.3 (MANE Select); coding-DNA position 3868, C replaced by T.
Protein change: p.Leu1290=; no amino-acid change (leucine 1290 retained).
Molecular consequence: synonymous variant.
Genome position (GRCh38, 1-based): chr19:38,473,479, C>T. VCF-style: chr19-38473479-C-T. GRCh37 (hg19) VCF-style: chr19-38964119-C-T.
Other names: c.3868C>T, p.Leu1290= (NM_001042723.2).
Identifiers: ClinVar variation 700898 (VCV000700898.12), dbSNP rs745572367, ClinGen allele CA065287.

ClinVar aggregate classification (germline): Likely benign. Review status: criteria provided, multiple submitters, no conflicts (2 of 4 stars). 3 submissions from 3 submitters: Likely benign (3). Last evaluated 2024-08-06.

Conditions:
RYR1-related disorder. Also called: RYR1-related condition; RYR1-related disorders. Identifiers: MedGen CN239331.
Malignant hyperthermia, susceptibility to, 1 (MHS1). Also called: Anesthesia related hyperthermia; Malignant hyperpyrexia; Fulminating hyperpyrexia; Pharmacogenic myopathy; Malignant hyperthermia suceptibility 1; RYR1-Related Malignant Hyperthermia Susceptibility. Identifiers: Orphanet 423, MedGen C2930980, MONDO:0007783, OMIM 145600.

Allele frequency attached by ClinVar (database versions not stated): ExAC 0.00001; gnomAD 0.00002; TOPMed 0.00002.
gnomAD v4.1: 53 of 1,613,724 alleles (0.0033%); highest among the groups gnomAD compares: Non-Finnish European, 0.0043%; no homozygotes.

Submissions (3):

All of Us Research Program, National Institutes of Health
Classification: Likely benign for Malignant hyperthermia, susceptibility to, 1. Last evaluated: 2024-08-06. Review status: criteria provided, single submitter. Criteria: ACMG Guidelines, 2015. Collection method: clinical testing. Allele origin: germline. Inheritance: Autosomal dominant inheritance. Observed: 6 variant alleles, 6 heterozygotes.
Comment: This study involves interpretation of variants in research participants for the purpose of population health screening. Participant phenotype was not available at the time of variant classification. Additional details can be found in publication PMID: 35346344, PMCID: PMC8962531

Labcorp Genetics (formerly Invitae), Labcorp
Classification: Likely benign for RYR1-related disorder. Last evaluated: 2024-02-14. Review status: criteria provided, single submitter. Criteria: Invitae Variant Classification Sherloc (09022015). Collection method: clinical testing. Allele origin: germline.

Color Diagnostics, LLC DBA Color Health
Classification: Likely benign for Malignant hyperthermia, susceptibility to, 1. Last evaluated: 2022-11-06. Review status: criteria provided, single submitter. Criteria: ACMG Guidelines, 2015. Collection method: clinical testing. Allele origin: germline.